The following is an entry in ClinVar:

NM_001394062.1(MACF1):c.6661G>C (p.Val2221Leu)

Gene: MACF1 (microtubule actin crosslinking factor 1; plus strand). Cytogenetic location: 1p34.3.
Variant type: single nucleotide variant.
Coding change: c.6661G>C on transcript NM_001394062.1 (MANE Select); coding-DNA position 6661, G replaced by C.
Protein change: p.Val2221Leu; replaces valine 2221 with leucine.
Molecular consequence: missense variant. On other transcripts: intron variant (1).
Genome position (GRCh38, 1-based): chr1:39,333,249, G>C. VCF-style: chr1-39333249-G-C. GRCh37 (hg19) VCF-style: chr1-39798921-G-C.
Other names: c.4629+5896G>C (NM_012090.5); short protein forms V2221L.
Identifiers: ClinVar variation 5040341 (VCV005040341.1).

ClinVar aggregate classification (germline): Uncertain significance (1 of 4 stars; one submission).

Submission:

CeGaT Center for Human Genetics Tuebingen
Classification: Uncertain significance. Last evaluated: 2026-08-01. Review status: criteria provided, single submitter. Criteria: CeGaT Center For Human Genetics Tuebingen Variant Classification Criteria Version 2. Collection method: clinical testing. Allele origin: germline. Affected: yes. Observed: 1 variant allele.
Comment: MACF1: PM2, BP4